The following is an entry in ClinVar:

NM_003172.4(SURF1):c.240+5A>T

Gene: SURF1 (SURF1 cytochrome c oxidase assembly factor; minus strand). Cytogenetic location: 9q34.2.
Variant type: single nucleotide variant.
Coding change: c.240+5A>T on transcript NM_003172.4 (MANE Select); 5 bases into the intron after coding-DNA position 240, A replaced by T.
Molecular consequence: intron variant.
Genome position (GRCh38, 1-based): chr9:133,354,819, T>A on the plus strand (A>T on the coding strand, the complement: SURF1 is on the minus strand). VCF-style: chr9-133354819-T-A. GRCh37 (hg19) VCF-style: chr9-136221674-T-A.
Other names: c.-88+5A>T (NM_001280787.1).
Identifiers: ClinVar variation 1359503 (VCV001359503.6), dbSNP rs370901434, ClinGen allele CA200833459.
Genomic context (GRCh38, chr9:133,354,819, plus strand): 5'-AAGGCCAAGCAGATGGCAGCAAGGTCAAGGGCCCAGAGTTACGCACACCAGATGCCGGTC[T>A]TTACCTGCCATGTCCCCAAGCCAAAGGCAGTCACAGGGATGAGGAGCAGGACCCACTGAA-3'

ClinVar aggregate classification (germline): Conflicting classifications of pathogenicity. Review status: criteria provided, conflicting classifications (1 of 4 stars). 4 submissions from 4 submitters: Uncertain significance (3); Likely benign (1). Last evaluated 2024-10-09.

Conditions:
Leigh syndrome (NULS). Also called: Subacute necrotizing encephalopathy; Necrotizing encephalopathy infantile subacute of Leigh; LEIGH SYNDROME, NUCLEAR; Leigh's necrotizing encephalopathy; Leigh's disease; Leigh Syndrome (mtDNA deletion). Identifiers: Orphanet 506, MedGen C2931891, MONDO:0009723, OMIM 256000.

Allele frequency attached by ClinVar (database versions not stated): gnomAD exomes below 0.00001; TOPMed 0.00003; gnomAD 0.00004 and 0.00006.

Submissions (4):

Blueprint Genetics
Classification: Likely benign. Last evaluated: 2024-10-09. Review status: criteria provided, single submitter. Criteria: ACMG Guidelines, 2015. Collection method: clinical testing. Allele origin: germline.

Women's Health and Genetics/Laboratory Corporation of America, LabCorp
Classification: Uncertain significance. Last evaluated: 2024-07-18. Review status: criteria provided, single submitter. Criteria: LabCorp Variant Classification Summary - May 2015. Collection method: clinical testing. Allele origin: germline.
Comment: Variant summary: SURF1 c.240+5A>T alters a nucleotide located close to a canonical splice site and therefore could affect mRNA splicing, leading to a significantly altered protein sequence. Consensus agreement among computation tools predict no significant impact on normal splicing. However, these predictions have yet to be confirmed by functional studies. The variant allele was found at a frequency of 1.6e-05 in 251256 control chromosomes. The available data on variant occurrences in the general population are insufficient to allow any conclusion about variant significance. To our knowledge, no occurrence of c.240+5A>T in individuals affected with Leigh Syndrome and no experimental evidence demonstrating its impact on protein function have been reported. ClinVar contains an entry for this variant (Variation ID: 1359503). Based on the evidence outlined above, the variant was classified as uncertain significance.

Mayo Clinic Laboratories, Mayo Clinic
Classification: Uncertain significance. Last evaluated: 2023-05-01. Review status: criteria provided, single submitter. Criteria: ACMG Guidelines, 2015. Collection method: clinical testing. Allele origin: germline. Observed: 1 variant allele.
Comment: BP4

Labcorp Genetics (formerly Invitae), Labcorp
Classification: Uncertain significance for Leigh syndrome. Last evaluated: 2022-10-26. Review status: criteria provided, single submitter. Criteria: Invitae Variant Classification Sherloc (09022015). Collection method: clinical testing. Allele origin: germline.
Comment: This sequence change falls in intron 3 of the SURF1 gene. It does not directly change the encoded amino acid sequence of the SURF1 protein. It affects a nucleotide within the consensus splice site. This variant is present in population databases (rs370901434, gnomAD 0.01%). This variant has not been reported in the literature in individuals affected with SURF1-related conditions. ClinVar contains an entry for this variant (Variation ID: 1359503). Variants that disrupt the consensus splice site are a relatively common cause of aberrant splicing (PMID: 17576681, 9536098). Algorithms developed to predict the effect of sequence changes on RNA splicing suggest that this variant is not likely to affect RNA splicing. In summary, the available evidence is currently insufficient to determine the role of this variant in disease. Therefore, it has been classified as a Variant of Uncertain Significance.

Literature cited by the submitters: PubMed 17576681 (cited by Labcorp Genetics (formerly Invitae), Labcorp); PubMed 9536098 (cited by Labcorp Genetics (formerly Invitae), Labcorp).